The following is an entry in ClinVar:

ClinVar aggregate classification (germline): Uncertain significance. Review status: criteria provided, multiple submitters, no conflicts (2 of 4 stars). 3 submissions from 3 submitters: Uncertain significance (3). Last evaluated 2024-03-25.

Conditions:
Inborn genetic diseases. Identifiers: MedGen C0950123, MeSH D030342.
Intellectual developmental disorder, autosomal dominant 1. Also called: Intellectual disability, autosomal dominant 1; MBD5 Haploinsufficiency. Identifiers: Orphanet 228402, MedGen C1969562, MONDO:0007974, OMIM 156200.

Allele frequency attached by ClinVar (database versions not stated): TOPMed below 0.00001; gnomAD exomes below 0.00001.

Submissions (3):

Ambry Genetics
Classification: Uncertain significance for Inborn genetic diseases. Last evaluated: 2024-03-25. Review status: criteria provided, single submitter. Criteria: Ambry Variant Classification Scheme 2023. Collection method: clinical testing. Allele origin: germline.

Labcorp Genetics (formerly Invitae), Labcorp
Classification: Uncertain significance for Intellectual developmental disorder, autosomal dominant 1. Last evaluated: 2023-03-13. Review status: criteria provided, single submitter. Criteria: Invitae Variant Classification Sherloc (09022015). Collection method: clinical testing. Allele origin: germline.
Comment: This sequence change replaces proline, which is neutral and non-polar, with histidine, which is basic and polar, at codon 342 of the MBD5 protein (p.Pro342His). In summary, the available evidence is currently insufficient to determine the role of this variant in disease. Therefore, it has been classified as a Variant of Uncertain Significance. Advanced modeling of protein sequence and biophysical properties (such as structural, functional, and spatial information, amino acid conservation, physicochemical variation, residue mobility, and thermodynamic stability) performed at Invitae indicates that this missense variant is not expected to disrupt MBD5 protein function. ClinVar contains an entry for this variant (Variation ID: 960823). This variant has not been reported in the literature in individuals affected with MBD5-related conditions. This variant is present in population databases (no rsID available, gnomAD 0.006%).

Blueprint Genetics
Classification: Uncertain significance. Last evaluated: 2020-03-02. Review status: criteria provided, single submitter. Criteria: ACMG Guidelines, 2015. Collection method: clinical testing. Allele origin: germline.

NM_001378120.1(MBD5):c.1025C>A (p.Pro342His)

Gene: MBD5 (methyl-CpG binding domain protein 5; plus strand). Cytogenetic location: 2q23.1.
Variant type: single nucleotide variant.
Coding change: c.1025C>A on transcript NM_001378120.1 (MANE Select); coding-DNA position 1025, C replaced by A.
Protein change: p.Pro342His; replaces proline 342 with histidine.
Molecular consequence: missense variant.
Genome position (GRCh38, 1-based): chr2:148,468,968, C>A. VCF-style: chr2-148468968-C-A. GRCh37 (hg19) VCF-style: chr2-149226537-C-A.
Other names: c.1025C>A, p.Pro342His (NM_018328.5); short protein forms P342H.
Identifiers: ClinVar variation 960823 (VCV000960823.12), dbSNP rs1406381561, ClinGen allele CA348718211.